The following is an entry in ClinVar:

ClinVar aggregate classification (germline): Likely benign. Review status: criteria provided, single submitter (1 of 4 stars). 2 submissions from 2 submitters: Likely benign (1). 1 of the submissions does not count toward it. Last evaluated 2025-08-07.

Conditions:
HMCN1-related disorder. Also called: HMCN1-related condition.

Allele frequency attached by ClinVar (database versions not stated): ExAC 0.00002; gnomAD exomes 0.00002 and 0.00008; gnomAD 0.00003; TOPMed 0.00006.
gnomAD v4.1: 116 of 1,613,882 alleles (0.0072%); highest among the groups gnomAD compares: Non-Finnish European, 0.0096%; no homozygotes.

Submissions (2):

Labcorp Genetics (formerly Invitae), Labcorp
Classification: Likely benign. Last evaluated: 2025-08-07. Review status: criteria provided, single submitter. Criteria: Invitae Variant Classification Sherloc (09022015). Collection method: clinical testing. Allele origin: germline.

PreventionGenetics, part of Exact Sciences
Classification: Likely benign for HMCN1-related condition. Last evaluated: 2019-08-29. Review status: no assertion criteria provided. Collection method: clinical testing. Allele origin: germline. Not counted in ClinVar's aggregate classification.
Comment: This variant is classified as likely benign based on ACMG/AMP sequence variant interpretation guidelines (Richards et al. 2015 PMID: 25741868, with internal and published modifications).

NM_031935.3(HMCN1):c.14547T>C (p.Gly4849=)

Gene: HMCN1 (hemicentin 1; plus strand). Cytogenetic location: 1q31.1.
Variant type: single nucleotide variant.
Coding change: c.14547T>C on transcript NM_031935.3 (MANE Select); coding-DNA position 14547, T replaced by C.
Protein change: p.Gly4849=; no amino-acid change (glycine 4849 retained).
Molecular consequence: synonymous variant.
Genome position (GRCh38, 1-based): chr1:186,145,862, T>C. VCF-style: chr1-186145862-T-C. GRCh37 (hg19) VCF-style: chr1-186114994-T-C.
Other names: c.14547T>C (NM_031935.2).
Identifiers: ClinVar variation 1635475 (VCV001635475.10), dbSNP rs768675698, ClinGen allele CA1294984.